The following is an entry in ClinVar:

ClinVar aggregate classification (germline): Uncertain significance. Review status: criteria provided, multiple submitters, no conflicts (2 of 4 stars). 2 submissions from 2 submitters: Uncertain significance (2). Last evaluated 2023-06-20.

Conditions:
Combined oxidative phosphorylation deficiency. Identifiers: MedGen C4540031, MONDO:0000732.
Charcot-Marie-Tooth Neuropathy X. Identifiers: MedGen CN118851.

Allele frequency attached by ClinVar (database versions not stated): gnomAD exomes below 0.00001.
gnomAD v4.1: 2 of 1,209,870 alleles (0.00017%); highest among the groups gnomAD compares: Non-Finnish European, 0.00022%; no homozygotes.

Submissions (2):

Labcorp Genetics (formerly Invitae), Labcorp
Classification: Uncertain significance for Charcot-Marie-Tooth Neuropathy X; Combined oxidative phosphorylation deficiency. Last evaluated: 2023-06-20. Review status: criteria provided, single submitter. Criteria: Invitae Variant Classification Sherloc (09022015). Collection method: clinical testing. Allele origin: germline.
Comment: This variant has not been reported in the literature in individuals affected with AIFM1-related conditions. ClinVar contains an entry for this variant (Variation ID: 576371). Advanced modeling of protein sequence and biophysical properties (such as structural, functional, and spatial information, amino acid conservation, physicochemical variation, residue mobility, and thermodynamic stability) has been performed at Invitae for this missense variant, however the output from this modeling did not meet the statistical confidence thresholds required to predict the impact of this variant on AIFM1 protein function. In summary, the available evidence is currently insufficient to determine the role of this variant in disease. Therefore, it has been classified as a Variant of Uncertain Significance. This variant is not present in population databases (gnomAD no frequency). This sequence change replaces valine, which is neutral and non-polar, with isoleucine, which is neutral and non-polar, at codon 361 of the AIFM1 protein (p.Val361Ile).

GeneDx
Classification: Uncertain significance. Last evaluated: 2023-01-03. Review status: criteria provided, single submitter. Criteria: GeneDx Variant Classification Process June 2021. Collection method: clinical testing. Allele origin: germline. Affected: yes.
Comment: Not observed at significant frequency in large population cohorts (gnomAD); In silico analysis supports that this missense variant does not alter protein structure/function; Has not been previously published as pathogenic or benign to our knowledge

NM_004208.4(AIFM1):c.1081G>A (p.Val361Ile)

Genes: AIFM1 (apoptosis inducing factor mitochondria associated 1; minus strand), RAB33A (RAB33A, member RAS oncogene family; plus strand). Cytogenetic location: Xq26.1.
Variant type: single nucleotide variant.
Coding change: c.1081G>A on transcript NM_004208.4 (MANE Select); coding-DNA position 1081, G replaced by A.
Protein change: p.Val361Ile; replaces valine 361 with isoleucine.
Molecular consequence: missense variant. On other transcripts: 3 prime UTR variant (1), non-coding transcript variant (1).
Genome position (GRCh38, 1-based): chrX:130,136,726, C>T on the plus strand (G>A on the coding strand, the complement: AIFM1 is on the minus strand). VCF-style: chrX-130136726-C-T. GRCh37 (hg19) VCF-style: chrX-129270701-C-T.
Other names: c.64G>A, p.Val22Ile (NM_001130846.4); c.*309G>A (NM_001130847.4); c.1069G>A, p.Val357Ile (NM_145812.3); short protein forms V361I, V22I, V357I.
Identifiers: ClinVar variation 576371 (VCV000576371.9), dbSNP rs1569417347, ClinGen allele CA414578718.